The following is an entry in ClinVar:

NM_006361.6(HOXB13):c.853T>C (p.Ter285Gln)

Gene: HOXB13 (homeobox B13; minus strand). Cytogenetic location: 17q21.32.
Variant type: single nucleotide variant.
Coding change: c.853T>C on transcript NM_006361.6 (MANE Select); coding-DNA position 853, T replaced by C.
Protein change: p.Ter285Gln.
Molecular consequence: stop lost.
Genome position (GRCh38, 1-based): chr17:48,726,792, A>G on the plus strand (T>C on the coding strand, the complement: HOXB13 is on the minus strand). VCF-style: chr17-48726792-A-G. GRCh37 (hg19) VCF-style: chr17-46804154-A-G.
Other names: *285Q.
Identifiers: ClinVar variation 822543 (VCV000822543.15), dbSNP rs1555558440, ClinGen allele CA400105097.

ClinVar aggregate classification (germline): Uncertain significance. Review status: criteria provided, multiple submitters, no conflicts (2 of 4 stars). 4 submissions from 4 submitters: Uncertain significance (4). Last evaluated 2026-01-20.

Conditions:
Hereditary cancer-predisposing syndrome. Also called: Hereditary Cancer Syndrome; Hereditary neoplastic syndrome; Neoplastic Syndromes, Hereditary; Tumor predisposition. Identifiers: Orphanet 140162, MedGen C0027672, MeSH D009386, MONDO:0015356.
Prostate cancer, hereditary, 9 (HPC9). Identifiers: Orphanet 1331, MedGen C1970250, MONDO:0012597, OMIM 610997.

Allele frequency attached by ClinVar (database versions not stated): gnomAD 0.00001.
gnomAD v4.1: 1 of 1,613,472 alleles (0.000062%); no homozygotes.

Submissions (4):

Labcorp Genetics (formerly Invitae), Labcorp
Classification: Uncertain significance. Last evaluated: 2026-01-20. Review status: criteria provided, single submitter. Criteria: Invitae Variant Classification Sherloc (09022015). Collection method: clinical testing. Allele origin: germline.
Comment: This sequence change disrupts the translational stop signal of the HOXB13 mRNA. It is expected to extend the length of the HOXB13 protein by 32 additional amino acid residues. This variant is not present in population databases (gnomAD no frequency). This variant has not been reported in the literature in individuals affected with HOXB13-related conditions. ClinVar contains an entry for this variant (Variation ID: 822543). In summary, the available evidence is currently insufficient to determine the role of this variant in disease. Therefore, it has been classified as a Variant of Uncertain Significance.

Hema, HEMA – Genetic and Molecular Diagnostic Laboratory
Classification: Uncertain significance for Prostate cancer, hereditary, 9. Last evaluated: 2025-05-12. Review status: criteria provided, single submitter. Criteria: HEMA Variant Classification Assertion Criteria. Collection method: clinical testing. Allele origin: germline.
Comment: It is a transition from adenine to guanine that results in the loss of the stop codon of HOXB13. PM2_Supporting: Present at very low frequency in the gnomAD v4.1.0 database. PM4: A stop codon loss variant that results in the extension of the protein by 31 amino acids.

Unidad de Genética Molecular HGU Elche, Hospital General Universitario de Elche
Classification: Uncertain significance for Hereditary cancer-predisposing syndrome. Last evaluated: 2025-05-05. Review status: criteria provided, single submitter. Criteria: ACMG Guidelines, 2015. Collection method: clinical testing. Allele origin: germline. Affected: yes.
Comment: HotVUS: PM2 supporting; BP4 supporting; PM4 strong

Ambry Genetics
Classification: Uncertain significance for Hereditary cancer-predisposing syndrome. Last evaluated: 2024-12-16. Review status: criteria provided, single submitter. Criteria: Ambry Variant Classification Scheme 2023. Collection method: clinical testing. Allele origin: germline.
Comment: The c.853T>C variant (also known as p.*285Qext*32), located in coding exon 2 of the HOXB13 gene, results from a T to C substitution at nucleotide position 853. This alteration disrupts the stop codon of the HOXB13 gene and is predicted to preserve the native sequence while resulting in the elongation of the protein by 32 amino acids. The exact functional effect of the additional amino acids is unknown. Based on the available evidence, the clinical significance of this variant remains unclear.